The following is an entry in ClinVar:

ClinVar aggregate classification (germline): Likely pathogenic. Review status: criteria provided, multiple submitters, no conflicts (2 of 4 stars). 2 submissions from 2 submitters: Likely pathogenic (2). Last evaluated 2025-05-06.

Conditions:
Tumor predisposition syndrome 3 (TPDS3). Also called: Glioma susceptibility 9; LONG TELOMERE SYNDROME, POT1-RELATED; POT1 Tumor Predisposition; Melanoma, cutaneous malignant, susceptibility to, 10. Identifiers: Orphanet 618, MedGen C4014476, MONDO:0014368, OMIM 615848.

Submissions (2):

Department of Clinical Genetics, Copenhagen University Hospital, Rigshospitalet
Classification: Likely pathogenic for Tumor predisposition syndrome 3. Last evaluated: 2025-05-06. Review status: criteria provided, single submitter. Criteria: ACMG Guidelines, 2015. Collection method: clinical testing. Allele origin: germline.
Comment: The following ACMG criteria has been used: PM2_SUP; PVS1

Center for Genomic Medicine, Rigshospitalet, Copenhagen University Hospital
Classification: Likely pathogenic. Last evaluated: 2025-03-04. Review status: criteria provided, single submitter. Criteria: ACMG Guidelines, 2015. Collection method: clinical testing. Allele origin: germline.

NM_015450.3(POT1):c.709del (p.Ser237fs)

Gene: POT1 (protection of telomeres 1; minus strand). Cytogenetic location: 7q31.33.
Variant type: Deletion.
Coding change: c.709del on transcript NM_015450.3 (MANE Select); coding-DNA position 709, one base deleted (A; older notation c.709delA).
Protein change: p.Ser237fs; shifts the reading frame from serine 237.
Molecular consequence: frameshift variant. On other transcripts: non-coding transcript variant (3).
Genome position (GRCh38, 1-based): chr7:124,853,132, T deleted on the plus strand (A on the coding strand, the reverse complement: POT1 is on the minus strand); the first of 2 consecutive T bases (chr7:124,853,132-124,853,133); deleting either gives the same sequence. VCF-style (leftmost placement, unchanged base first): chr7-124853131-CT-C. GRCh37 (hg19) VCF-style: chr7-124493185-CT-C.
Other names: c.709delA (NM_015450.3); c.316del, p.Ser106fs (NM_001042594.2); short protein forms S106fs, S237fs.
Identifiers: ClinVar variation 1697424 (VCV001697424.8), dbSNP rs2116505365, ClinGen allele CA2580076463.